The following is an entry in ClinVar:

ClinVar aggregate classification (germline): Uncertain significance (1 of 4 stars; one submission).

Allele frequency attached by ClinVar (database versions not stated): gnomAD exomes below 0.00001 and 0.00001; TOPMed below 0.00001; ExAC 0.00001.

Submission:

Labcorp Genetics (formerly Invitae), Labcorp
Classification: Uncertain significance. Last evaluated: 2018-10-23. Review status: criteria provided, single submitter. Criteria: Invitae Variant Classification Sherloc (09022015). Collection method: clinical testing. Allele origin: germline.
Comment: In summary, the available evidence is currently insufficient to determine the role of this variant in disease. Therefore, it has been classified as a Variant of Uncertain Significance. The current clinical and genetic evidence is not sufficient to establish whether loss-of-function variants in MPC1 cause disease. Algorithms developed to predict the effect of sequence changes on RNA splicing suggest that this variant may disrupt the consensus splice site, but this prediction has not been confirmed by published transcriptional studies. This variant has not been reported in the literature in individuals with MPC1-related disease. This variant is present in population databases (rs781561088, ExAC 0.002%). This sequence change affects an acceptor splice site in intron 2 of the MPC1 gene. It is expected to disrupt RNA splicing and likely results in an absent or disrupted protein product.

NM_016098.4(MPC1):c.76-2A>G

Gene: MPC1 (mitochondrial pyruvate carrier 1; minus strand). Cytogenetic location: 6q27.
Variant type: single nucleotide variant.
Coding change: c.76-2A>G on transcript NM_016098.4 (MANE Select); the canonical splice acceptor site of the intron before coding-DNA position 76, A replaced by G.
Molecular consequence: splice acceptor variant.
Genome position (GRCh38, 1-based): chr6:166,366,893, T>C on the plus strand (A>G on the coding strand, the complement: MPC1 is on the minus strand). VCF-style: chr6-166366893-T-C. GRCh37 (hg19) VCF-style: chr6-166780381-T-C.
Other names: c.-54-2A>G (NM_001376566.1, NM_001376567.1, NM_001376568.1 and 2 more transcripts); c.76-2A>G (NM_001376569.1).
Identifiers: ClinVar variation 650389 (VCV000650389.7), dbSNP rs781561088, ClinGen allele CA4093659.
Genomic context (GRCh38, chr6:166,366,893, plus strand): 5'-TTCATATCATTGATGGCAGCAATGGGAAGACCCCAGTTGGCTACTGGGCCCCAGAAGTGC[T>C]ACAAAAAATGAGAGGAAAAGAATGAAGAGAGGAAAAAGTTAAGACAGAACTATAAACAGC-3'